The following is an entry in ClinVar:

NM_022575.4(VPS16):c.848T>C (p.Val283Ala)

Gene: VPS16 (VPS16 core subunit of CORVET and HOPS complexes; plus strand). Cytogenetic location: 20p13.
Variant type: single nucleotide variant.
Coding change: c.848T>C on transcript NM_022575.4 (MANE Select); coding-DNA position 848, T replaced by C.
Protein change: p.Val283Ala; replaces valine 283 with alanine.
Molecular consequence: missense variant.
Genome position (GRCh38, 1-based): chr20:2,861,653, T>C. VCF-style: chr20-2861653-T-C. GRCh37 (hg19) VCF-style: chr20-2842299-T-C.
Other names: c.848T>C, p.Val283Ala (NM_080413.3); short protein forms V283A.
Identifiers: ClinVar variation 4538787 (VCV004538787.1).

ClinVar aggregate classification (germline): Uncertain significance (1 of 4 stars; one submission).

Submission:

GeneDx
Classification: Uncertain significance. Last evaluated: 2025-06-18. Review status: criteria provided, single submitter. Criteria: GeneDx Variant Classification Process June 2021. Collection method: clinical testing. Allele origin: germline. Affected: yes.
Comment: Not observed at significant frequency in large population cohorts (gnomAD); In silico analysis suggests that this missense variant does not alter protein structure/function; Has not been previously published as pathogenic or benign to our knowledge